The following is an entry in ClinVar:

NM_003239.5(TGFB3):c.1222T>C (p.Ser408Pro)

Gene: TGFB3 (transforming growth factor beta 3; minus strand). Cytogenetic location: 14q24.3.
Variant type: single nucleotide variant.
Coding change: c.1222T>C on transcript NM_003239.5 (MANE Select); coding-DNA position 1222, T replaced by C.
Protein change: p.Ser408Pro; replaces serine 408 with proline.
Molecular consequence: missense variant.
Genome position (GRCh38, 1-based): chr14:75,959,204, A>G on the plus strand (T>C on the coding strand, the complement: TGFB3 is on the minus strand). VCF-style: chr14-75959204-A-G. GRCh37 (hg19) VCF-style: chr14-76425547-A-G.
Other names: c.1222T>C, p.Ser408Pro (NM_001329939.2); short protein forms S408P.
Identifiers: ClinVar variation 1310821 (VCV001310821.4), dbSNP rs2140234552, ClinGen allele CA390466636.

ClinVar aggregate classification (germline): Uncertain significance. Review status: criteria provided, multiple submitters, no conflicts (2 of 4 stars). 2 submissions from 2 submitters: Uncertain significance (2). Last evaluated 2025-01-31.

Conditions:
Familial thoracic aortic aneurysm and aortic dissection (TAAD). Also called: Thoracic aortic aneurysms and dissections. Identifiers: Orphanet 91387, MedGen C4707243, MONDO:0019625.

Submissions (2):

Ambry Genetics
Classification: Uncertain significance for Familial thoracic aortic aneurysm and aortic dissection. Last evaluated: 2025-01-31. Review status: criteria provided, single submitter. Criteria: Ambry Variant Classification Scheme 2023. Collection method: clinical testing. Allele origin: germline.
Comment: The p.S408P variant (also known as c.1222T>C), located in coding exon 7 of the TGFB3 gene, results from a T to C substitution at nucleotide position 1222. The serine at codon 408 is replaced by proline, an amino acid with similar properties. This amino acid position is conserved. In addition, the in silico prediction for this alteration is inconclusive. Based on the available evidence, the clinical significance of this variant remains unclear.

GeneDx
Classification: Uncertain significance. Last evaluated: 2023-05-04. Review status: criteria provided, single submitter. Criteria: GeneDx Variant Classification Process June 2021. Collection method: clinical testing. Allele origin: germline. Affected: yes.
Comment: Has not been previously published as pathogenic or benign to our knowledge; Not observed at significant frequency in large population cohorts (gnomAD); In silico analysis supports that this missense variant has a deleterious effect on protein structure/function